The following is an entry in ClinVar:

NM_018941.4(CLN8):c.706G>A (p.Val236Ile)

Gene: CLN8 (CLN8 transmembrane ER and ERGIC protein; plus strand). Cytogenetic location: 8p23.3.
Variant type: single nucleotide variant.
Coding change: c.706G>A on transcript NM_018941.4 (MANE Select); coding-DNA position 706, G replaced by A.
Protein change: p.Val236Ile; replaces valine 236 with isoleucine.
Molecular consequence: missense variant.
Genome position (GRCh38, 1-based): chr8:1,780,412, G>A. VCF-style: chr8-1780412-G-A. GRCh37 (hg19) VCF-style: chr8-1728578-G-A.
Other names: short protein forms V236I.
Identifiers: ClinVar variation 1401859 (VCV001401859.8), dbSNP rs371830719, ClinGen allele CA369954156.
Genomic context (GRCh38, chr8:1,780,412, plus strand): 5'-TTCTGGCACTGGGACGGCCTGGTCAGCAGCCTGTATCTGCCTCATTTGACACTGTTCCTT[G>A]TCGGACTGGCTCTGCTTACGCTAATCATTAATCCATATTGGACCCATAAGAAGACTCAGC-3'
Protein context (NP_061764.2, residues 226-246): LYLPHLTLFL[Val236Ile]GLALLTLIIN

ClinVar aggregate classification (germline): Uncertain significance (1 of 4 stars; one submission).

Conditions:
Neuronal ceroid lipofuscinosis. Also called: Neuronal Ceroid Lipofuscinoses. Identifiers: Orphanet 216, Orphanet 79263, MedGen C0027877, MONDO:0016295. Disease mechanism: loss of function.

Submission:

Labcorp Genetics (formerly Invitae), Labcorp
Classification: Uncertain significance for Neuronal ceroid lipofuscinosis. Last evaluated: 2021-01-19. Review status: criteria provided, single submitter. Criteria: Invitae Variant Classification Sherloc (09022015). Collection method: clinical testing. Allele origin: germline.
Comment: This sequence change replaces valine with isoleucine at codon 236 of the CLN8 protein (p.Val236Ile). The valine residue is moderately conserved and there is a small physicochemical difference between valine and isoleucine. This variant is not present in population databases (ExAC no frequency). This variant has not been reported in the literature in individuals with CLN8-related conditions. Advanced modeling of protein sequence and biophysical properties (such as structural, functional, and spatial information, amino acid conservation, physicochemical variation, residue mobility, and thermodynamic stability) performed at Invitae indicates that this missense variant is not expected to disrupt CLN8 protein function. In summary, the available evidence is currently insufficient to determine the role of this variant in disease. Therefore, it has been classified as a Variant of Uncertain Significance.